The following is an entry in ClinVar:

NM_001369.2(DNAH5):c.(?_-1)_8448+?dup

Genes: DNAH5 (dynein axonemal heavy chain 5; minus strand), DNAH5-AS1 (DNAH5 antisense RNA 1; plus strand), LOC126807318 (MED14-independent group 3 enhancer GRCh37_chr5:13858976-13860175; plus strand). Cytogenetic location: 5p15.2.
Variant type: Duplication.
Identifiers: ClinVar variation 215999 (VCV000215999.1).

ClinVar aggregate classification (germline): Likely pathogenic (1 of 4 stars; one submission).

Conditions:
Primary ciliary dyskinesia. Also called: Ciliary dyskinesia. Identifiers: Orphanet 244, MedGen C0008780, MONDO:0016575, HP:0012265.

Submission:

Labcorp Genetics (formerly Invitae), Labcorp
Classification: Likely pathogenic for Primary ciliary dyskinesia. Last evaluated: 2015-02-19. Review status: criteria provided, single submitter. Criteria: Invitae Variant Classification Sherloc (09022015). Collection method: clinical testing. Allele origin: germline.
Comment: This sequence change is a tandem duplication of the genomic region encompassing exons 1-50 of the DNAH5 gene. Sequencing data suggests that this duplication also includes the first exon of TRIO, the gene adjacent to DNAH5. This variant has not been published in the literature and gross duplications in DNAH5 have not been reported in PCD patients. However, because this duplication occurs in tandem it is expected to disrupt DNAH5 gene function, and loss of function variants in DNAH5 are known to be pathogenic (PMID: 16627867). For these reasons, this variant has been classified as Likely Pathogenic.